The following is an entry in ClinVar:

NM_000138.5(FBN1):c.4804G>A (p.Val1602Ile)

Gene: FBN1 (fibrillin 1; minus strand). Cytogenetic location: 15q21.1.
Variant type: single nucleotide variant.
Coding change: c.4804G>A on transcript NM_000138.5 (MANE Select); coding-DNA position 4804, G replaced by A.
Protein change: p.Val1602Ile; replaces valine 1602 with isoleucine.
Molecular consequence: missense variant.
Genome position (GRCh38, 1-based): chr15:48,465,802, C>T on the plus strand (G>A on the coding strand, the complement: FBN1 is on the minus strand). VCF-style: chr15-48465802-C-T. GRCh37 (hg19) VCF-style: chr15-48757999-C-T.
Other names: short protein forms V1602I.
Identifiers: ClinVar variation 1055113 (VCV001055113.21), dbSNP rs780957696, ClinGen allele CA053739.

ClinVar aggregate classification (germline): Conflicting classifications of pathogenicity. Review status: criteria provided, conflicting classifications (1 of 4 stars). 6 submissions from 6 submitters: Uncertain significance (4); Likely benign (2). Last evaluated 2026-08-10.

Conditions:
Familial thoracic aortic aneurysm and aortic dissection (TAAD). Also called: Thoracic aortic aneurysms and dissections. Identifiers: Orphanet 91387, MedGen C4707243, MONDO:0019625.
Marfan syndrome (MFS). Also called: Marfan syndrome type 1; Marfan's syndrome; Marfan syndrome, classic; FBN1-Related Marfan Syndrome; MARFAN SYNDROME, TYPE I. Identifiers: Orphanet 284963, Orphanet 558, MedGen C0024796, MONDO:0007947, OMIM 154700.
FBN1-related disorder. Also called: FBN1-related disorders.

Allele frequency attached by ClinVar (database versions not stated): gnomAD 0.00003 and 0.00004; gnomAD exomes 0.00002; ExAC 0.00002; TOPMed 0.00004.
gnomAD v4.1: 27 of 1,613,512 alleles (0.0017%); highest among the groups gnomAD compares: African/African-American, 0.013%; no homozygotes.

Submissions (6):

Ambry Genetics
Classification: Uncertain significance for Familial thoracic aortic aneurysm and aortic dissection. Last evaluated: 2026-08-10. Review status: criteria provided, single submitter. Criteria: Ambry Variant Classification Scheme 2023. Collection method: clinical testing. Allele origin: germline.
Comment: The p.V1602I variant (also known as c.4804G>A), located in coding exon 38 of the FBN1 gene, results from a G to A substitution at nucleotide position 4804. The valine at codon 1602 is replaced by isoleucine, an amino acid with highly similar properties. This amino acid position is conserved. In addition, the in silico prediction for this alteration is inconclusive. Based on the available evidence, the clinical significance of this variant remains unclear.

Labcorp Genetics (formerly Invitae), Labcorp
Classification: Likely benign for Marfan syndrome; Familial thoracic aortic aneurysm and aortic dissection. Last evaluated: 2025-07-30. Review status: criteria provided, single submitter. Criteria: Invitae Variant Classification Sherloc (09022015). Collection method: clinical testing. Allele origin: germline.

Color Diagnostics, LLC DBA Color Health
Classification: Likely benign for Familial thoracic aortic aneurysm and aortic dissection. Last evaluated: 2025-07-15. Review status: criteria provided, single submitter. Criteria: ACMG Guidelines, 2015. Collection method: clinical testing. Allele origin: germline.

PreventionGenetics, part of Exact Sciences
Classification: Uncertain significance for FBN1-related condition. Last evaluated: 2024-11-04. Review status: criteria provided, single submitter. Criteria: ACMG Guidelines, 2015. Collection method: clinical testing. Allele origin: germline.
Comment: The FBN1 c.4804G>A variant is predicted to result in the amino acid substitution p.Val1602Ile. To our knowledge, this variant has not been reported in the literature. This variant is reported in 0.012% of alleles in individuals of African descent in gnomAD. At this time, the clinical significance of this variant is uncertain due to the absence of conclusive functional and genetic evidence.

All of Us Research Program, National Institutes of Health
Classification: Uncertain significance for Marfan syndrome. Last evaluated: 2024-09-23. Review status: criteria provided, single submitter. Criteria: ACMG Guidelines, 2015. Collection method: clinical testing. Allele origin: germline. Inheritance: Autosomal dominant inheritance. Observed: 4 variant alleles, 4 heterozygotes.
Comment: This missense variant replaces valine with isoleucine at codon 1602 of the FBN1 protein. Computational prediction suggests that this variant may not impact protein structure and function (internally defined REVEL score threshold <= 0.5, PMID: 27666373). To our knowledge, functional studies have not been reported for this variant. This variant has not been reported in individuals affected with cardiovascular disorders in the literature. This variant has been identified in 6/251218 chromosomes in the general population by the Genome Aggregation Database (gnomAD). The available evidence is insufficient to determine the role of this variant in disease conclusively. Therefore, this variant is classified as a Variant of Uncertain Significance.

This study involves interpretation of variants in research participants for the purpose of population health screening. Participant phenotype was not available at the time of variant classification. Additional details can be found in publication PMID: 35346344, PMCID: PMC8962531

GeneDx
Classification: Uncertain significance. Last evaluated: 2020-10-26. Review status: criteria provided, single submitter. Criteria: GeneDx Variant Classification Process June 2021. Collection method: clinical testing. Allele origin: germline. Affected: yes.
Comment: Has not been previously published as pathogenic or benign to our knowledge; In silico analysis supports that this missense variant does not alter protein structure/function; Although located in a calcium-binding EGF-like domain of the FBN1 gene, it does not affect a cysteine residue within this domain; cysteine substitutions in the calcium-binding EGF-like domains represent the majority of pathogenic missense changes associated with FBN1-related disorders (Collod-Beroud et al., 2003)